The following is an entry in ClinVar:

NM_015087.5(SPART):c.1474_1477del (p.Gln492fs)

Gene: SPART (spartin; minus strand). Cytogenetic location: 13q13.3.
Variant type: Microsatellite.
Coding change: c.1474_1477del on transcript NM_015087.5 (MANE Select); coding-DNA positions 1474 to 1477, 4 bases deleted (CAGT; older notation c.1474_1477delCAGT).
Protein change: p.Gln492fs; shifts the reading frame from glutamine 492.
Molecular consequence: frameshift variant.
Genome position (GRCh38, 1-based): chr13:36,314,233-36,314,236, ACTG deleted on the plus strand (CAGT on the coding strand, the reverse complement: SPART is on the minus strand); deleting any 4 consecutive bases within chr13:36,314,233-36,314,243 gives the same sequence; the c. name uses the placement nearest the transcript's 3' end. VCF-style (leftmost placement, unchanged base first): chr13-36314232-AACTG-A. GRCh37 (hg19) VCF-style: chr13-36888369-AACTG-A.
Other names: c.1474_1477del, p.Gln492fs (NM_001142294.2, NM_001142295.2, NM_001142296.2); short protein forms Q492fs.
Identifiers: ClinVar variation 989199 (VCV000989199.6), dbSNP rs777288668, ClinGen allele CA6949384.

ClinVar aggregate classification (germline): Pathogenic. Review status: criteria provided, multiple submitters, no conflicts (2 of 4 stars). 2 submissions from 2 submitters: Pathogenic (2). Last evaluated 2024-10-24.

Conditions:
Troyer syndrome (SPG20). Identifiers: Orphanet 101000, MedGen C0393559, MONDO:0010156, OMIM 275900.

Submissions (2):

Labcorp Genetics (formerly Invitae), Labcorp
Classification: Pathogenic. Last evaluated: 2024-10-24. Review status: criteria provided, single submitter. Criteria: Invitae Variant Classification Sherloc (09022015). Collection method: clinical testing. Allele origin: germline.
Comment: This sequence change creates a premature translational stop signal (p.Gln492Serfs*9) in the SPART gene. It is expected to result in an absent or disrupted protein product. Loss-of-function variants in SPART are known to be pathogenic (PMID: 18413476, 20437587, 20504295). This variant is present in population databases (rs777288668, gnomAD 0.009%). This variant has not been reported in the literature in individuals affected with SPART-related conditions. For these reasons, this variant has been classified as Pathogenic.

Paris Brain Institute, Inserm - ICM
Classification: Pathogenic for Troyer syndrome. Review status: criteria provided, single submitter. Criteria: ACMG Guidelines, 2015. Collection method: clinical testing. Allele origin: unknown. Affected: yes. Observed: 2 variant alleles.

Literature cited by the submitters: PubMed 18413476 (cited by Labcorp Genetics (formerly Invitae), Labcorp); PubMed 20437587 (cited by Labcorp Genetics (formerly Invitae), Labcorp); PubMed 20504295 (cited by Labcorp Genetics (formerly Invitae), Labcorp).